The following is an entry in ClinVar:

ClinVar aggregate classification (germline): Uncertain significance (1 of 4 stars; one submission).

Allele frequency attached by ClinVar (database versions not stated): gnomAD 0.00001; gnomAD exomes 0.00002; ExAC 0.00005.
gnomAD v4.1: 11 of 1,613,638 alleles (0.00068%); highest among the groups gnomAD compares: South Asian, 0.0066%; 1 homozygote.

Submission:

Labcorp Genetics (formerly Invitae), Labcorp
Classification: Uncertain significance. Last evaluated: 2021-06-01. Review status: criteria provided, single submitter. Criteria: Invitae Variant Classification Sherloc (09022015). Collection method: clinical testing. Allele origin: germline.
Comment: In summary, the available evidence is currently insufficient to determine the role of this variant in disease. Therefore, it has been classified as a Variant of Uncertain Significance. Algorithms developed to predict the effect of missense changes on protein structure and function are either unavailable or do not agree on the potential impact of this missense change (SIFT: "Tolerated"; PolyPhen-2: "Not Available"; Align-GVGD: "Class C0"). This variant has not been reported in the literature in individuals with PCLO-related conditions. This variant is present in population databases (rs766161846, ExAC 0.03%). This sequence change replaces glutamine with glutamic acid at codon 223 of the PCLO protein (p.Gln223Glu). The glutamine residue is weakly conserved and there is a small physicochemical difference between glutamine and glutamic acid.

NM_033026.6(PCLO):c.667C>G (p.Gln223Glu)

Gene: PCLO (piccolo presynaptic cytomatrix protein; minus strand). Cytogenetic location: 7q21.11.
Variant type: single nucleotide variant.
Coding change: c.667C>G on transcript NM_033026.6 (MANE Select); coding-DNA position 667, C replaced by G.
Protein change: p.Gln223Glu; replaces glutamine 223 with glutamic acid.
Molecular consequence: missense variant.
Genome position (GRCh38, 1-based): chr7:83,155,974, G>C on the plus strand (C>G on the coding strand, the complement: PCLO is on the minus strand). VCF-style: chr7-83155974-G-C. GRCh37 (hg19) VCF-style: chr7-82785290-G-C.
Other names: c.667C>G, p.Gln223Glu (NM_014510.3); short protein forms Q223E.
Identifiers: ClinVar variation 1358196 (VCV001358196.8), dbSNP rs766161846, ClinGen allele CA4321624.
Genomic context (GRCh38, chr7:83,155,974, plus strand): 5'-GTTGAGAAGATATTGATTTGGGAGTGCCATCCTGCTGAAGCGGATCCCTACCAGGTCCTT[G>C]CTGCTTAGGAATCGGCTTGGGTGGCTGTTGTTGTAAAGGAGGTTTTATGATTCCTTCAGG-3'
Protein context (NP_149015.2, residues 213-233): QQPPKPIPKQ[Gln223Glu]GPGRDPLQQD